The following is an entry in ClinVar:

NM_004577.4(PSPH):c.479A>G (p.Lys160Arg)

Gene: PSPH (phosphoserine phosphatase; minus strand). Cytogenetic location: 7p11.2.
Variant type: single nucleotide variant.
Coding change: c.479A>G on transcript NM_004577.4 (MANE Select); coding-DNA position 479, A replaced by G.
Protein change: p.Lys160Arg; replaces lysine 160 with arginine.
Molecular consequence: missense variant.
Genome position (GRCh38, 1-based): chr7:56,015,114, T>C on the plus strand (A>G on the coding strand, the complement: PSPH is on the minus strand). VCF-style: chr7-56015114-T-C. GRCh37 (hg19) VCF-style: chr7-56082807-T-C.
Other names: c.479A>G, p.Lys160Arg (NM_001370503.1, NM_001370504.1, NM_001370505.1 and 17 more transcripts); short protein forms K160R.
Identifiers: ClinVar variation 1349597 (VCV001349597.8), dbSNP rs2116514675, ClinGen allele CA367595756.

ClinVar aggregate classification (germline): Uncertain significance (1 of 4 stars; one submission).

Conditions:
Deficiency of phosphoserine phosphatase (PSPHD). Also called: Phosphoserine phosphatase deficiency; PSPH deficiency. Identifiers: Orphanet 79350, MedGen C1291463, MONDO:0013531, OMIM 614023.

Allele frequency attached by ClinVar (database versions not stated): gnomAD exomes below 0.00001.
gnomAD v4.1: 4 of 1,614,090 alleles (0.00025%); highest among the groups gnomAD compares: Non-Finnish European, 0.00034%; no homozygotes.

Submission:

Labcorp Genetics (formerly Invitae), Labcorp
Classification: Uncertain significance for Deficiency of phosphoserine phosphatase. Last evaluated: 2021-04-28. Review status: criteria provided, single submitter. Criteria: Invitae Variant Classification Sherloc (09022015). Collection method: clinical testing. Allele origin: germline.
Comment: In summary, the available evidence is currently insufficient to determine the role of this variant in disease. Therefore, it has been classified as a Variant of Uncertain Significance. Algorithms developed to predict the effect of missense changes on protein structure and function (SIFT, PolyPhen-2, Align-GVGD) all suggest that this variant is likely to be tolerated, but these predictions have not been confirmed by published functional studies and their clinical significance is uncertain. This variant has not been reported in the literature in individuals with PSPH-related conditions. This variant is not present in population databases (ExAC no frequency). This sequence change replaces lysine with arginine at codon 160 of the PSPH protein (p.Lys160Arg). The lysine residue is moderately conserved and there is a small physicochemical difference between lysine and arginine.